The following is an entry in ClinVar:

ClinVar aggregate classification (germline): Likely benign. Review status: criteria provided, multiple submitters, no conflicts (2 of 4 stars). 2 submissions from 2 submitters: Likely benign (2). Last evaluated 2022-09-01.

Allele frequency attached by ClinVar (database versions not stated): ExAC 0.00002; gnomAD exomes 0.00002.
gnomAD v4.1: 10 of 1,613,466 alleles (0.00062%); highest among the groups gnomAD compares: Admixed American, 0.0083%; no homozygotes.

Submissions (2):

CeGaT Center for Human Genetics Tuebingen
Classification: Likely benign. Last evaluated: 2022-09-01. Review status: criteria provided, single submitter. Criteria: CeGaT Center For Human Genetics Tuebingen Variant Classification Criteria Version 2. Collection method: clinical testing. Allele origin: germline. Affected: yes. Observed: 1 variant allele.
Comment: NEK1: BP4, BP7

Labcorp Genetics (formerly Invitae), Labcorp
Classification: Likely benign. Last evaluated: 2017-11-29. Review status: criteria provided, single submitter. Criteria: Invitae Variant Classification Sherloc (09022015). Collection method: clinical testing. Allele origin: germline.

NM_001199397.3(NEK1):c.3420G>A (p.Ser1140=)

Gene: NEK1 (NIMA related kinase 1; minus strand). Cytogenetic location: 4q33.
Variant type: single nucleotide variant.
Coding change: c.3420G>A on transcript NM_001199397.3 (MANE Select); coding-DNA position 3420, G replaced by A.
Protein change: p.Ser1140=; no amino-acid change (serine 1140 retained).
Molecular consequence: synonymous variant. On other transcripts: non-coding transcript variant (1).
Genome position (GRCh38, 1-based): chr4:169,401,815, C>T on the plus strand (G>A on the coding strand, the complement: NEK1 is on the minus strand). VCF-style: chr4-169401815-C-T. GRCh37 (hg19) VCF-style: chr4-170322966-C-T.
Other names: c.3288G>A, p.Ser1096= (NM_001199398.3); c.3129G>A, p.Ser1043= (NM_001199399.3); c.3204G>A, p.Ser1068= (NM_001199400.3); c.3420G>A, p.Ser1140= (NM_001374418.1); c.3336G>A, p.Ser1112= (NM_001374419.1, NM_012224.4); c.3285G>A, p.Ser1095= (NM_001374420.1); c.2937G>A, p.Ser979= (NM_001374421.1).
Identifiers: ClinVar variation 731168 (VCV000731168.27), dbSNP rs772760832, ClinGen allele CA3137162.